The following is an entry in ClinVar:

NM_001127671.2(LIFR):c.1919G>A (p.Gly640Glu)

Gene: LIFR (LIF receptor subunit alpha; minus strand). Cytogenetic location: 5p13.1.
Variant type: single nucleotide variant.
Coding change: c.1919G>A on transcript NM_001127671.2 (MANE Select); coding-DNA position 1919, G replaced by A.
Protein change: p.Gly640Glu; replaces glycine 640 with glutamic acid.
Molecular consequence: missense variant.
Genome position (GRCh38, 1-based): chr5:38,493,752, C>T on the plus strand (G>A on the coding strand, the complement: LIFR is on the minus strand). VCF-style: chr5-38493752-C-T. GRCh37 (hg19) VCF-style: chr5-38493854-C-T.
Other names: c.1919G>A, p.Gly640Glu (NM_001364297.2, NM_001364298.2, NM_002310.6); short protein forms G640E.
Identifiers: ClinVar variation 1406279 (VCV001406279.6), dbSNP rs2112417801, ClinGen allele CA359539295.

ClinVar aggregate classification (germline): Uncertain significance (1 of 4 stars; one submission).

Submission:

Labcorp Genetics (formerly Invitae), Labcorp
Classification: Uncertain significance. Last evaluated: 2021-09-21. Review status: criteria provided, single submitter. Criteria: Invitae Variant Classification Sherloc (09022015). Collection method: clinical testing. Allele origin: germline.
Comment: In summary, the available evidence is currently insufficient to determine the role of this variant in disease. Therefore, it has been classified as a Variant of Uncertain Significance. Algorithms developed to predict the effect of missense changes on protein structure and function are either unavailable or do not agree on the potential impact of this missense change (SIFT: "Deleterious"; PolyPhen-2: "Possibly Damaging"; Align-GVGD: "Class C0"). This variant has not been reported in the literature in individuals affected with LIFR-related conditions. This variant is not present in population databases (ExAC no frequency). This sequence change replaces glycine with glutamic acid at codon 640 of the LIFR protein (p.Gly640Glu). The glycine residue is highly conserved and there is a moderate physicochemical difference between glycine and glutamic acid.